The following is an entry in ClinVar:

ClinVar aggregate classification (germline): Likely pathogenic (1 of 4 stars; one submission).

Conditions:
X-linked Alport syndrome (ATS1). Also called: NEPHROPATHY AND DEAFNESS, X-LINKED; COL4A5-Related Nephropathy. Identifiers: Orphanet 63, Orphanet 88917, MedGen C4746986, MONDO:0010520, OMIM 301050.

Submission:

Natera, Inc.
Classification: Likely pathogenic for X-linked Alport syndrome. Last evaluated: 2025-02-27. Review status: criteria provided, single submitter. Criteria: Natera Variant Classification Schema (03/2026). Collection method: clinical testing. Allele origin: germline.
Comment: The c.3293G>C variant in COL4A5 is a missense variant predicted to cause substitution of glycine to alanine at amino acid 1098. This variant is rare in the general population with a frequency below the threshold expected for the associated phenotype(s). This variant is located in a functionally critical region of the protein. A different variant at the same position has been determined to be Pathogenic or Likely Pathogenic. Computational prediction algorithms indicate this variant is likely to affect gene or protein function. Given the available evidence, this variant is classified as Likely Pathogenic.

NM_033380.3(COL4A5):c.3293G>C (p.Gly1098Ala)

Gene: COL4A5 (collagen type IV alpha 5 chain; plus strand). Cytogenetic location: Xq22.3.
Variant type: single nucleotide variant.
Coding change: c.3293G>C on transcript NM_033380.3 (MANE Select); coding-DNA position 3293, G replaced by C.
Protein change: p.Gly1098Ala; replaces glycine 1098 with alanine.
Molecular consequence: missense variant.
Genome position (GRCh38, 1-based): chrX:108,655,377, G>C. VCF-style: chrX-108655377-G-C. GRCh37 (hg19) VCF-style: chrX-107898607-G-C.
Other names: c.3293G>C, p.Gly1098Ala (NM_000495.5); short protein forms G1098A.
Identifiers: ClinVar variation 4065115 (VCV004065115.2).